The following is an entry in ClinVar:

ClinVar aggregate classification (germline): Likely benign (1 of 4 stars; one submission).

Conditions:
CHD1L-related disorder. Also called: CHD1L-related condition.

gnomAD v4.1: 443 of 1,614,142 alleles (0.027%); highest among the groups gnomAD compares: South Asian, 0.45%; 8 homozygotes.

Submission:

PreventionGenetics, part of Exact Sciences
Classification: Likely benign for CHD1L-related condition. Last evaluated: 2026-07-08. Review status: criteria provided, single submitter. Criteria: ACMG Guidelines, 2015. Collection method: clinical testing. Allele origin: germline.
Comment: This variant is classified as likely benign based on ACMG/AMP sequence variant interpretation guidelines (Richards et al. 2015 PMID: 25741868, with internal and published modifications).

NM_004284.6(CHD1L):c.2161A>C (p.Ser721Arg)

Gene: CHD1L (chromodomain helicase DNA binding protein 1 like; plus strand). Cytogenetic location: 1q21.1.
Variant type: single nucleotide variant.
Coding change: c.2161A>C on transcript NM_004284.6 (MANE Select); coding-DNA position 2161, A replaced by C.
Protein change: p.Ser721Arg; replaces serine 721 with arginine.
Molecular consequence: missense variant. On other transcripts: non-coding transcript variant (16).
Genome position (GRCh38, 1-based): chr1:147,286,440, A>C. VCF-style: chr1-147286440-A-C. GRCh37 (hg19) VCF-style: chr1-146758117-A-C.
Other names: c.1861A>C, p.Ser621Arg (NM_001256336.3); c.1318A>C, p.Ser440Arg (NM_001256337.3, NM_001348456.2, NM_001348457.2 and 9 more transcripts); c.1549A>C, p.Ser517Arg (NM_001256338.3); c.1945A>C, p.Ser649Arg (NM_001348451.2, NM_001348452.2); c.1822A>C, p.Ser608Arg (NM_001348453.2, NM_024568.4); c.1705A>C, p.Ser569Arg (NM_001348454.2); c.1672A>C, p.Ser558Arg (NM_001348455.2); short protein forms S440R, S558R, S569R, S517R, S649R, S621R, S721R, S608R.
Identifiers: ClinVar variation 4995406 (VCV004995406.1).
Genomic context (GRCh38, chr1:147,286,440, plus strand): 5'-GAAGAGAGCTCTGCTGAGCTGGATTACCAAGACCCAGATGCTACTTCCCTCAAGTACGTT[A>C]GTGGTGATGTCACCCACCCTCAGGCTGGGGCCGAGGATGCTCTCATTGTGCACTGCGTAG-3'
Protein context (NP_004275.4, residues 711-731): DPDATSLKYV[Ser721Arg]GDVTHPQAGA